The following is an entry in ClinVar:

NM_139319.3(SLC17A8):c.238A>C (p.Ile80Leu)

Gene: SLC17A8 (solute carrier family 17 member 8; plus strand). Cytogenetic location: 12q23.1.
Variant type: single nucleotide variant.
Coding change: c.238A>C on transcript NM_139319.3 (MANE Select); coding-DNA position 238, A replaced by C.
Protein change: p.Ile80Leu; replaces isoleucine 80 with leucine.
Molecular consequence: missense variant.
Genome position (GRCh38, 1-based): chr12:100,380,837, A>C. VCF-style: chr12-100380837-A-C. GRCh37 (hg19) VCF-style: chr12-100774615-A-C.
Other names: c.238A>C, p.Ile80Leu (NM_001145288.2); short protein forms I80L.
Identifiers: ClinVar variation 3348701 (VCV003348701.1).

ClinVar aggregate classification (germline): Uncertain significance (0 of 4 stars; one submission).

Conditions:
SLC17A8-related disorder. Also called: SLC17A8-related condition.

Submission:

PreventionGenetics, part of Exact Sciences
Classification: Uncertain significance for SLC17A8-related condition. Last evaluated: 2024-03-27. Review status: no assertion criteria provided. Collection method: clinical testing. Allele origin: germline.
Comment: The SLC17A8 c.238A>C variant is predicted to result in the amino acid substitution p.Ile80Leu. To our knowledge, this variant has not been reported in the literature or in a large population database, indicating this variant is rare. At this time, the clinical significance of this variant is uncertain due to the absence of conclusive functional and genetic evidence.